The following is an entry in ClinVar:

ClinVar aggregate classification (germline): Uncertain significance (1 of 4 stars; one submission).

Conditions:
Hereditary cancer-predisposing syndrome. Also called: Tumor predisposition; Hereditary neoplastic syndrome; Hereditary Cancer Syndrome; Neoplastic Syndromes, Hereditary. Identifiers: Orphanet 140162, MedGen C0027672, MeSH D009386, MONDO:0015356.

Allele frequency attached by ClinVar (database versions not stated): gnomAD exomes below 0.00001.
gnomAD v4.1: 1 of 1,613,490 alleles (0.000062%); highest among the groups gnomAD compares: Non-Finnish European, 0.000085%; no homozygotes.

Submission:

Ambry Genetics
Classification: Uncertain significance for Hereditary cancer-predisposing syndrome. Last evaluated: 2024-01-27. Review status: criteria provided, single submitter. Criteria: Ambry Variant Classification Scheme 2023. Collection method: clinical testing. Allele origin: germline.
Comment: The p.D239G variant (also known as c.716A>G), located in coding exon 5 of the NTHL1 gene, results from an A to G substitution at nucleotide position 716. The aspartic acid at codon 239 is replaced by glycine, an amino acid with similar properties. This amino acid position is conserved. In addition, this alteration is predicted to be deleterious by in silico analysis. Based on the available evidence, the clinical significance of this alteration remains unclear.

NM_002528.7(NTHL1):c.692A>G (p.Asp231Gly)

Gene: NTHL1 (nth like DNA glycosylase 1; minus strand). Cytogenetic location: 16p13.3.
Variant type: single nucleotide variant.
Coding change: c.692A>G on transcript NM_002528.7 (MANE Select); coding-DNA position 692, A replaced by G.
Protein change: p.Asp231Gly; replaces aspartic acid 231 with glycine.
Molecular consequence: missense variant.
Genome position (GRCh38, 1-based): chr16:2,040,232, T>C on the plus strand (A>G on the coding strand, the complement: NTHL1 is on the minus strand). VCF-style: chr16-2040232-T-C. GRCh37 (hg19) VCF-style: chr16-2090233-T-C.
Other names: c.521A>G, p.Asp174Gly (NM_001318193.2); c.362A>G, p.Asp121Gly (NM_001318194.2); short protein forms D121G, D174G, D231G.
Identifiers: ClinVar variation 3222681 (VCV003222681.1), dbSNP rs2548312110, ClinGen allele CA394289371.